The following is an entry in ClinVar:

NM_000030.3(AGXT):c.224C>A (p.Thr75Lys)

Gene: AGXT (alanine--glyoxylate aminotransferase; plus strand). Cytogenetic location: 2q37.3.
Variant type: single nucleotide variant.
Coding change: c.224C>A on transcript NM_000030.3 (MANE Select); coding-DNA position 224, C replaced by A.
Protein change: p.Thr75Lys; replaces threonine 75 with lysine.
Molecular consequence: missense variant.
Genome position (GRCh38, 1-based): chr2:240,869,228, C>A. VCF-style: chr2-240869228-C-A. GRCh37 (hg19) VCF-style: chr2-241808645-C-A.
Other names: short protein forms T75K.
Identifiers: ClinVar variation 2681154 (VCV002681154.1), dbSNP rs2528740059, ClinGen allele CA351313469.

ClinVar aggregate classification (germline): Uncertain significance (1 of 4 stars; one submission).

Conditions:
Primary hyperoxaluria, type I (HP1). Also called: OXALOSIS I; Primary hyperoxaluria type 1; GLYCOLIC ACIDURIA; HEPATIC AGT DEFICIENCY. Identifiers: Orphanet 416, Orphanet 93598, MedGen C0268164, MONDO:0009823, OMIM 259900. Disease mechanism: loss of function.

Submission:

Clinical Biochemistry Laboratory, Health Services Laboratory
Classification: Uncertain significance for Primary hyperoxaluria, type I. Last evaluated: 2023-10-27. Review status: criteria provided, single submitter. Criteria: ACMG Guidelines, 2015. Collection method: curation. Allele origin: germline. Affected: yes.
Comment: ACMG:PM2 PP2 PP3

Literature cited by the submitters: PubMed 35678848; PubMed 36259736.